The following is an entry in ClinVar:

ClinVar aggregate classification (germline): Likely pathogenic (1 of 4 stars; one submission).

Submission:

Labcorp Genetics (formerly Invitae), Labcorp
Classification: Likely pathogenic. Last evaluated: 2024-02-26. Review status: criteria provided, single submitter. Criteria: Invitae Variant Classification Sherloc (09022015). Collection method: clinical testing. Allele origin: germline.
Comment: This sequence change affects a donor splice site in intron 2 of the IDH3B gene. It is expected to disrupt RNA splicing. Variants that disrupt the donor or acceptor splice site typically lead to a loss of protein function (PMID: 16199547), and loss-of-function variants in IDH3B are known to be pathogenic (PMID: 18806796). This variant is not present in population databases (gnomAD no frequency). This variant has not been reported in the literature in individuals affected with IDH3B-related conditions. ClinVar contains an entry for this variant (Variation ID: 1974298). Algorithms developed to predict the effect of sequence changes on RNA splicing suggest that this variant may disrupt the consensus splice site. In summary, the currently available evidence indicates that the variant is pathogenic, but additional data are needed to prove that conclusively. Therefore, this variant has been classified as Likely Pathogenic.

Literature cited by the submitters: PubMed 16199547; PubMed 18806796.

NM_006899.5(IDH3B):c.117+1G>T

Gene: IDH3B (isocitrate dehydrogenase (NAD(+)) 3 non-catalytic subunit beta; minus strand). Cytogenetic location: 20p13.
Variant type: single nucleotide variant.
Coding change: c.117+1G>T on transcript NM_006899.5 (MANE Select); the canonical splice donor site of the intron after coding-DNA position 117, G replaced by T.
Molecular consequence: splice donor variant.
Genome position (GRCh38, 1-based): chr20:2,663,924, C>A on the plus strand (G>T on the coding strand, the complement: IDH3B is on the minus strand). VCF-style: chr20-2663924-C-A. GRCh37 (hg19) VCF-style: chr20-2644570-C-A.
Other names: c.117+1G>T (NM_174855.4, NM_001330763.2, NM_001258384.3).
Identifiers: ClinVar variation 1974298 (VCV001974298.5), dbSNP rs2514769253, ClinGen allele CA408040530.